The following is an entry in ClinVar:

NM_001291303.3(FAT4):c.10801A>G (p.Thr3601Ala)

Gene: FAT4 (FAT atypical cadherin 4; plus strand). Cytogenetic location: 4q28.1.
Variant type: single nucleotide variant.
Coding change: c.10801A>G on transcript NM_001291303.3 (MANE Select); coding-DNA position 10801, A replaced by G.
Protein change: p.Thr3601Ala; replaces threonine 3601 with alanine.
Molecular consequence: missense variant.
Genome position (GRCh38, 1-based): chr4:125,451,811, A>G. VCF-style: chr4-125451811-A-G. GRCh37 (hg19) VCF-style: chr4-126372966-A-G.
Other names: c.10801A>G, p.Thr3601Ala (NM_001291285.3); c.10795A>G, p.Thr3599Ala (NM_024582.6); c.10795A>G (NM_024582.4); short protein forms T3601A, T3599A.
Identifiers: ClinVar variation 2712387 (VCV002712387.4), dbSNP rs148864032, ClinGen allele CA3073739.
Genomic context (GRCh38, chr4:125,451,811, plus strand): 5'-GACTTCTATCTGTCTGTGGTTACCAAGGATTCTGGTGTTCCTCAAATGTCTTCCACAGGA[A>G]CTGTGCATATCACAGTTATAGACCAAAATGACAATCCTTCACAGTCTCGGACGGTGGAGA-3'
Protein context (NP_001278232.1, residues 3591-3611): SGVPQMSSTG[Thr3601Ala]VHITVIDQND

ClinVar aggregate classification (germline): Uncertain significance. Review status: criteria provided, multiple submitters, no conflicts (2 of 4 stars). 2 submissions from 2 submitters: Uncertain significance (2). Last evaluated 2025-05-07.

Conditions:
Inborn genetic diseases. Identifiers: MedGen C0950123, MeSH D030342.

Allele frequency attached by ClinVar (database versions not stated): gnomAD 0.00001; 1000 Genomes Project 30x 0.00016; 1000 Genomes Project 0.00020.
gnomAD v4.1: 4 of 1,614,126 alleles (0.00025%); highest among the groups gnomAD compares: East Asian, 0.0089%; no homozygotes.

Submissions (2):

Ambry Genetics
Classification: Uncertain significance for Inborn genetic diseases. Last evaluated: 2025-05-07. Review status: criteria provided, single submitter. Criteria: Ambry Variant Classification Scheme 2023. Collection method: clinical testing. Allele origin: germline.

Labcorp Genetics (formerly Invitae), Labcorp
Classification: Uncertain significance. Last evaluated: 2023-11-17. Review status: criteria provided, single submitter. Criteria: Invitae Variant Classification Sherloc (09022015). Collection method: clinical testing. Allele origin: germline.
Comment: This sequence change replaces threonine, which is neutral and polar, with alanine, which is neutral and non-polar, at codon 3599 of the FAT4 protein (p.Thr3599Ala). This variant is present in population databases (rs148864032, gnomAD 0.02%). This variant has not been reported in the literature in individuals affected with FAT4-related conditions. Advanced modeling of protein sequence and biophysical properties (such as structural, functional, and spatial information, amino acid conservation, physicochemical variation, residue mobility, and thermodynamic stability) performed at Invitae indicates that this missense variant is not expected to disrupt FAT4 protein function with a negative predictive value of 95%. In summary, the available evidence is currently insufficient to determine the role of this variant in disease. Therefore, it has been classified as a Variant of Uncertain Significance.